The following is an entry in ClinVar:

NM_001011.4(RPS7):c.356+3G>A

Gene: RPS7 (ribosomal protein S7; plus strand). Cytogenetic location: 2p25.3.
Variant type: single nucleotide variant.
Coding change: c.356+3G>A on transcript NM_001011.4 (MANE Select); 3 bases into the intron after coding-DNA position 356, G replaced by A.
Molecular consequence: intron variant.
Genome position (GRCh38, 1-based): chr2:3,577,777, G>A. VCF-style: chr2-3577777-G-A. GRCh37 (hg19) VCF-style: chr2-3625367-G-A.
Identifiers: ClinVar variation 1024764 (VCV001024764.6), dbSNP rs1161877660, ClinGen allele CA768174614.

ClinVar aggregate classification (germline): Uncertain significance (1 of 4 stars; one submission).

Conditions:
Diamond-Blackfan anemia 8 (DBA8). Also called: RPS7-Related Diamond-Blackfan Anemia. Identifiers: Orphanet 124, MedGen C2675511, MONDO:0012939, OMIM 612563.

Allele frequency attached by ClinVar (database versions not stated): gnomAD exomes below 0.00001; gnomAD 0.00001; TOPMed 0.00001.

Submission:

Labcorp Genetics (formerly Invitae), Labcorp
Classification: Uncertain significance for Diamond-Blackfan anemia 8. Last evaluated: 2020-01-19. Review status: criteria provided, single submitter. Criteria: Invitae Variant Classification Sherloc (09022015). Collection method: clinical testing. Allele origin: germline.
Comment: In summary, the available evidence is currently insufficient to determine the role of this variant in disease. Therefore, it has been classified as a Variant of Uncertain Significance. Nucleotide substitutions within the consensus splice site are a relatively common cause of aberrant splicing (PMID: 17576681, 9536098). Algorithms developed to predict the effect of sequence changes on RNA splicing suggest that this variant is not likely to affect RNA splicing, but this prediction has not been confirmed by published transcriptional studies. This variant has not been reported in the literature in individuals with RPS7-related conditions. This variant is not present in population databases (ExAC no frequency). This sequence change falls in intron 5 of the RPS7 gene. It does not directly change the encoded amino acid sequence of the RPS7 protein, but it affects a nucleotide within the consensus splice site of the intron.

Literature cited by the submitters: PubMed 17576681; PubMed 9536098.